The following is an entry in ClinVar:

ClinVar aggregate classification (germline): Conflicting classifications of pathogenicity. Review status: criteria provided, conflicting classifications (1 of 4 stars). 10 submissions from 10 submitters: Uncertain significance (6); Likely benign (1). 3 of the submissions do not count toward it. Last evaluated 2026-09-01.

Conditions:
Autosomal recessive nonsyndromic hearing loss 18B. Also called: Deafness, autosomal recessive 18b. Identifiers: Orphanet 90636, MedGen C3554163, MONDO:0013985, OMIM 614945.
OTOG-related disorder. Also called: OTOG-related condition.
Hearing impairment. Also called: Impaired Hearing. Identifiers: MedGen C1384666, MONDO:0005365, HP:0000365.

Allele frequency attached by ClinVar (database versions not stated): ExAC 0.00017; gnomAD exomes 0.00058 and 0.00061; TOPMed 0.00058; 1000 Genomes Project 30x 0.00062; gnomAD 0.00070; 1000 Genomes Project 0.00080.
gnomAD v4.1: 895 of 1,463,346 alleles (0.061%); highest among the groups gnomAD compares: Non-Finnish European, 0.069%; no homozygotes.

Submissions (10):

CeGaT Center for Human Genetics Tuebingen
Classification: Likely benign. Last evaluated: 2026-09-01. Review status: criteria provided, single submitter. Criteria: CeGaT Center For Human Genetics Tuebingen Variant Classification Criteria Version 2. Collection method: clinical testing. Allele origin: germline. Affected: yes. Observed: 3 variant alleles.
Comment: OTOG: BS1:Supporting

PreventionGenetics, part of Exact Sciences
Classification: Uncertain significance for OTOG-related condition. Last evaluated: 2026-03-03. Review status: criteria provided, single submitter. Criteria: ACMG Guidelines, 2015. Collection method: clinical testing. Allele origin: germline.
Comment: The OTOG c.433G>A variant is predicted to result in the amino acid substitution p.Gly145Ser. This variant was reported together with second OTOG variant in an individual with hearing loss (Table 1, Wu et al. 2020. PubMed ID: 32048449). This variant is reported in 0.27% of alleles in individuals of Ashkenazi Jewish descent in gnomAD. At this time, the clinical significance of this variant is uncertain due to the absence of conclusive functional and genetic evidence.

GeneDx
Classification: Uncertain significance. Last evaluated: 2025-10-15. Review status: criteria provided, single submitter. Criteria: GeneDx Variant Classification Process June 2021. Collection method: clinical testing. Allele origin: germline. Affected: yes.
Comment: Reported with or without a second variant in individuals with hearing loss in published literature (PMID: 32048449, 29907799); In silico analysis supports that this missense variant has a deleterious effect on protein structure/function; This variant is associated with the following publications: (PMID: 29907799, 32048449)

Labcorp Genetics (formerly Invitae), Labcorp
Classification: Uncertain significance. Last evaluated: 2024-11-27. Review status: criteria provided, single submitter. Criteria: Invitae Variant Classification Sherloc (09022015). Collection method: clinical testing. Allele origin: germline.
Comment: This sequence change replaces glycine, which is neutral and non-polar, with serine, which is neutral and polar, at codon 145 of the OTOG protein (p.Gly145Ser). This variant is present in population databases (rs186893662, gnomAD 0.3%), and has an allele count higher than expected for a pathogenic variant. This missense change has been observed in individual(s) with deafness (PMID: 32048449). ClinVar contains an entry for this variant (Variation ID: 417886). An algorithm developed to predict the effect of missense changes on protein structure and function (PolyPhen-2) suggests that this variant is likely to be disruptive. In summary, the available evidence is currently insufficient to determine the role of this variant in disease. Therefore, it has been classified as a Variant of Uncertain Significance.

Blueprint Genetics
Classification: Uncertain significance. Last evaluated: 2024-11-22. Review status: criteria provided, single submitter. Criteria: ACMG Guidelines, 2015. Collection method: clinical testing. Allele origin: germline.

Department of Otolaryngology – Head & Neck Surgery, Cochlear Implant Center
Classification: Uncertain significance for Hearing impairment. Last evaluated: 2021-04-12. Review status: criteria provided, single submitter. Criteria: ClinGen HL ACMG Specifications v1. Collection method: clinical testing. Allele origin: germline. Affected: yes.
Comment: PM2_Supporting, PP3_Supporting

Laboratory for Molecular Medicine, Mass General Brigham Personalized Medicine
Classification: Uncertain significance. Last evaluated: 2017-09-02. Review status: criteria provided, single submitter. Criteria: LMM Criteria. Collection method: clinical testing. Allele origin: germline. Observed: 1 variant allele.
Comment: The p.Gly145Ser variant in OTOG has not been previously reported in individuals with hearing loss, but has been identified in 0.3% (6/2276) of Ashkenazi Jewish and 0.1% (40/41916) of European chromosomes by the Genome Aggregation Database ( gnomAD; dbSNP rs186893662). This variant has a lso been reported in ClinVar (Variation ID 417886). Although this variant has be en seen in the general population, its frequency is not high enough to rule out a pathogenic role. Computational prediction tools and conservation analysis sugg est that the p.Gly145Ser variant may impact the protein, though this information is not predictive enough to determine pathogenicity. In summary, the clinical s ignificance of the p.Gly145Ser variant is uncertain.

Division of Human Genetics, Children's Hospital of Philadelphia
Classification: Uncertain significance for Autosomal recessive nonsyndromic hearing loss 18B. Last evaluated: 2015-05-27. Review status: no assertion criteria provided. Collection method: research. Allele origin: germline. Affected: yes. Study: CSER-PediSeq. Not counted in ClinVar's aggregate classification.

Clinical Genetics DNA and cytogenetics Diagnostics Lab, Erasmus MC, Erasmus Medical Center
Classification: Uncertain significance. Review status: no assertion criteria provided. Collection method: clinical testing. Allele origin: germline. Affected: yes. Study: VKGL Data-share Consensus. Not counted in ClinVar's aggregate classification.

Joint Genome Diagnostic Labs from Nijmegen and Maastricht, Radboudumc and MUMC+
Classification: Uncertain significance. Review status: no assertion criteria provided. Collection method: clinical testing. Allele origin: germline. Affected: yes. Study: VKGL Data-share Consensus. Not counted in ClinVar's aggregate classification.

Literature cited by the submitters: PubMed 32048449 (cited by Labcorp Genetics (formerly Invitae), Labcorp).

NM_001292063.2(OTOG):c.397G>A (p.Gly133Ser)

Gene: OTOG (otogelin; plus strand). Cytogenetic location: 11p15.1.
Variant type: single nucleotide variant.
Coding change: c.397G>A on transcript NM_001292063.2 (MANE Select); coding-DNA position 397, G replaced by A.
Protein change: p.Gly133Ser; replaces glycine 133 with serine.
Molecular consequence: missense variant.
Genome position (GRCh38, 1-based): chr11:17,553,376, G>A. VCF-style: chr11-17553376-G-A. GRCh37 (hg19) VCF-style: chr11-17574923-G-A.
Other names: c.433G>A, p.Gly145Ser (NM_001277269.2); short protein forms G145S, G133S.
Identifiers: ClinVar variation 417886 (VCV000417886.44), dbSNP rs186893662, ClinGen allele CA5905354.
Genomic context (GRCh38, chr11:17,553,376, plus strand): 5'-TTGGTGCCCACTGTAGCTACACAGAGAGGTTCTCTTTTCTCTCCCTCAGTGTACAATGCC[G>A]GCCCTGAGAGGGACAGCATTTGCCGGGCGTGGGGGCAGCACCACGTGGAGACATTTGATG-3'
Protein context (NP_001278992.1, residues 123-143): GPRCQMVYNA[Gly133Ser]PERDSICRAW